The following is an entry in ClinVar:

NM_000093.5(COL5A1):c.4402G>A (p.Gly1468Arg)

Gene: COL5A1 (collagen type V alpha 1 chain; plus strand). Cytogenetic location: 9q34.3.
Variant type: single nucleotide variant.
Coding change: c.4402G>A on transcript NM_000093.5 (MANE Select); coding-DNA position 4402, G replaced by A.
Protein change: p.Gly1468Arg; replaces glycine 1468 with arginine.
Molecular consequence: missense variant.
Genome position (GRCh38, 1-based): chr9:134,819,009, G>A. VCF-style: chr9-134819009-G-A. GRCh37 (hg19) VCF-style: chr9-137710855-G-A.
Other names: c.4402G>A, p.Gly1468Arg (NM_001278074.1); short protein forms G1468R.
Identifiers: ClinVar variation 450777 (VCV000450777.2), dbSNP rs1554806670, ClinGen allele CA375457489.
Genomic context (GRCh38, chr9:134,819,009, plus strand): 5'-CACCCAAAGCCCCAAGGATGAGGACTCTGATCCCCCTGCCTCCTCCCACAGGGTCCCCCA[G>A]GACTTCCCGGCCTCAAAGGAGATTCTGGTCCCAAAGGTGAAAAGGTAAGAGGGGCCTCCC-3'
Protein context (NP_000084.3, residues 1458-1478): DGPPGPMGPP[Gly1468Arg]LPGLKGDSGP

ClinVar aggregate classification (germline): Likely pathogenic (1 of 4 stars; one submission).

Submission:

GeneDx
Classification: Likely pathogenic. Last evaluated: 2017-07-20. Review status: criteria provided, single submitter. Criteria: GeneDx Variant Classification (06012015). Collection method: clinical testing. Allele origin: germline. Affected: yes.
Comment: The G1468R variant in the COL5A1 gene has not been reported previously as a pathogenic variant, nor as a benign variant, to our knowledge. The G1468R variant is not observed in large population cohorts (Lek et al., 2016; 1000 Genomes Consortium et al., 2015; Exome Variant Server). The G1468R variant is a non-conservative amino acid substitution, which is likely to impact secondary protein structure as these residues differ in polarity, charge, size and/or other properties. This results in a substitution of a Glycine residue in the Gly-X-Y repetitive motif of the triple-helical region of the COL5A1 gene (Symoens et al., 2012) at a position that is not conserved. In silico analysis predicts this variant is probably damaging to the protein structure/function. We interpret G1468R as a likely pathogenic variant.